The following is an entry in ClinVar:

ClinVar aggregate classification (germline): Uncertain significance (1 of 4 stars; one submission).

gnomAD v4.1: 47 of 1,613,900 alleles (0.0029%); highest among the groups gnomAD compares: African/African-American, 0.021%; no homozygotes.

Submission:

Labcorp Genetics (formerly Invitae), Labcorp
Classification: Uncertain significance. Last evaluated: 2025-03-31. Review status: criteria provided, single submitter. Criteria: Invitae Variant Classification Sherloc (09022015). Collection method: clinical testing. Allele origin: germline.
Comment: This sequence change replaces alanine, which is neutral and non-polar, with threonine, which is neutral and polar, at codon 1308 of the KANK1 protein (p.Ala1308Thr). This variant is present in population databases (rs781145505, gnomAD 0.03%). This variant has not been reported in the literature in individuals affected with KANK1-related conditions. An algorithm developed to predict the effect of missense changes on protein structure and function (PolyPhen-2) suggests that this variant is likely to be disruptive. In summary, the available evidence is currently insufficient to determine the role of this variant in disease. Therefore, it has been classified as a Variant of Uncertain Significance.

NM_015158.5(KANK1):c.3922G>A (p.Ala1308Thr)

Gene: KANK1 (KN motif and ankyrin repeat domains 1; plus strand). Cytogenetic location: 9p24.3.
Variant type: single nucleotide variant.
Coding change: c.3922G>A on transcript NM_015158.5 (MANE Select); coding-DNA position 3922, G replaced by A.
Protein change: p.Ala1308Thr; replaces alanine 1308 with threonine.
Molecular consequence: missense variant. On other transcripts: non-coding transcript variant (1).
Genome position (GRCh38, 1-based): chr9:744,515, G>A. VCF-style: chr9-744515-G-A. GRCh37 (hg19) VCF-style: chr9-744515-G-A.
Other names: c.3922G>A, p.Ala1308Thr (NM_001256876.3, NM_001256877.3, NM_001354334.2 and 1 more transcripts); c.3682G>A, p.Ala1228Thr (NM_001354331.2); c.3868G>A, p.Ala1290Thr (NM_001354332.2); c.3448G>A, p.Ala1150Thr (NM_001354333.2, NM_001354335.2, NM_001354337.2 and 2 more transcripts); c.3154G>A, p.Ala1052Thr (NM_001354336.2, NM_001438411.1); c.3394G>A, p.Ala1132Thr (NM_001354338.2, NM_001354340.2, NM_001354344.2); c.3208G>A, p.Ala1070Thr (NM_001354339.2, NM_001354342.2, NM_001354343.2); short protein forms A1132T, A1052T, A1150T, A1290T, A1308T, A1070T, A1228T.
Identifiers: ClinVar variation 4737268 (VCV004737268.1).